The following is an entry in ClinVar:

NM_178170.3(NEK8):c.1140C>T (p.Phe380=)

Gene: NEK8 (NIMA related kinase 8; plus strand). Cytogenetic location: 17q11.2.
Variant type: single nucleotide variant.
Coding change: c.1140C>T on transcript NM_178170.3 (MANE Select); coding-DNA position 1140, C replaced by T.
Protein change: p.Phe380=; no amino-acid change (phenylalanine 380 retained).
Molecular consequence: synonymous variant.
Genome position (GRCh38, 1-based): chr17:28,738,163, C>T. VCF-style: chr17-28738163-C-T. GRCh37 (hg19) VCF-style: chr17-27065181-C-T.
Identifiers: ClinVar variation 4988420 (VCV004988420.1).

ClinVar aggregate classification (germline): Likely benign (1 of 4 stars; one submission).

Conditions:
NEK8-related disorder. Also called: NEK8-related condition.

Submission:

PreventionGenetics, part of Exact Sciences
Classification: Likely benign for NEK8-related condition. Last evaluated: 2025-12-31. Review status: criteria provided, single submitter. Criteria: ACMG Guidelines, 2015. Collection method: clinical testing. Allele origin: germline.
Comment: This variant is classified as likely benign based on ACMG/AMP sequence variant interpretation guidelines (Richards et al. 2015 PMID: 25741868, with internal and published modifications).